The following is an entry in ClinVar:

ClinVar aggregate classification (germline): Benign/Likely benign. Review status: criteria provided, multiple submitters, no conflicts (2 of 4 stars). 5 submissions from 5 submitters: Benign (2); Likely benign (2). 1 of the submissions does not count toward it. Last evaluated 2026-03-10.

Conditions:
Cardiovascular phenotype. Identifiers: MedGen CN230736.
Familial thoracic aortic aneurysm and aortic dissection (TAAD). Also called: Thoracic aortic aneurysms and dissections. Identifiers: Orphanet 91387, MedGen C4707243, MONDO:0019625.
MAT2A-related disorder. Also called: MAT2A-related condition.

Allele frequency attached by ClinVar (database versions not stated): TOPMed 0.00003; gnomAD 0.00007; ExAC 0.00011; 1000 Genomes Project 30x 0.00031; 1000 Genomes Project 0.00040.
gnomAD v4.1: 133 of 1,613,734 alleles (0.0082%); highest among the groups gnomAD compares: South Asian, 0.087%; no homozygotes.

Submissions (5):

Women's Health and Genetics/Laboratory Corporation of America, LabCorp
Classification: Benign. Last evaluated: 2026-03-10. Review status: criteria provided, single submitter. Criteria: LabCorp Variant Classification Summary - May 2015. Collection method: clinical testing. Allele origin: germline.

Labcorp Genetics (formerly Invitae), Labcorp
Classification: Benign for Familial thoracic aortic aneurysm and aortic dissection. Last evaluated: 2025-08-01. Review status: criteria provided, single submitter. Criteria: Invitae Variant Classification Sherloc (09022015). Collection method: clinical testing. Allele origin: germline.

Blueprint Genetics
Classification: Likely benign. Last evaluated: 2022-08-08. Review status: criteria provided, single submitter. Criteria: ACMG Guidelines, 2015. Collection method: clinical testing. Allele origin: germline.

Ambry Genetics
Classification: Likely benign for Cardiovascular phenotype. Last evaluated: 2020-01-13. Review status: criteria provided, single submitter. Criteria: Ambry Variant Classification Scheme 2023. Collection method: clinical testing. Allele origin: germline.

PreventionGenetics, part of Exact Sciences
Classification: Likely benign for MAT2A-related condition. Last evaluated: 2019-02-21. Review status: no assertion criteria provided. Collection method: clinical testing. Allele origin: germline. Not counted in ClinVar's aggregate classification.
Comment: This variant is classified as likely benign based on ACMG/AMP sequence variant interpretation guidelines (Richards et al. 2015 PMID: 25741868, with internal and published modifications).

NM_005911.6(MAT2A):c.120T>C (p.Ala40=)

Genes: GGCX (gamma-glutamyl carboxylase; minus strand), MAT2A (methionine adenosyltransferase 2A; plus strand). Cytogenetic location: 2p11.2.
Variant type: single nucleotide variant.
Coding change: c.120T>C on transcript NM_005911.6 (MANE Select); coding-DNA position 120, T replaced by C.
Protein change: p.Ala40=; no amino-acid change (alanine 40 retained).
Molecular consequence: synonymous variant.
Genome position (GRCh38, 1-based): chr2:85,541,111, T>C. VCF-style: chr2-85541111-T-C. GRCh37 (hg19) VCF-style: chr2-85768234-T-C.
Identifiers: ClinVar variation 1750084 (VCV001750084.11), dbSNP rs570063081, ClinGen allele CA1741319.
Genomic context (GRCh38, chr2:85,541,111, plus strand): 5'-AAGAAACTGAGCCAGGAATTTCTCTTTTCCAGATAAGATTTGTGACCAAATCAGTGATGC[T>C]GTCCTTGATGCCCACCTTCAGCAGGATCCTGATGCCAAAGTAGCTTGTGGTAGGTTCAGA-3'
Protein context (NP_005902.1, residues 30-50): PDKICDQISD[Ala40=]VLDAHLQQDP